The following is an entry in ClinVar:

ClinVar aggregate classification (germline): Conflicting classifications of pathogenicity. Review status: criteria provided, conflicting classifications (1 of 4 stars). 2 submissions from 2 submitters: Uncertain significance (1); Likely benign (1). Last evaluated 2025-11-09.

Conditions:
Familial cancer of breast. Also called: BREAST CANCER, FAMILIAL; hereditary breast carcinoma; Hereditary breast cancer. Identifiers: Orphanet 227535, MedGen C0346153, MONDO:0016419, OMIM 114480. Disease mechanism: loss of function.
Hereditary cancer-predisposing syndrome. Also called: Neoplastic Syndromes, Hereditary; Tumor predisposition; Hereditary Cancer Syndrome; Hereditary neoplastic syndrome. Identifiers: Orphanet 140162, MedGen C0027672, MeSH D009386, MONDO:0015356.

Allele frequency attached by ClinVar (database versions not stated): gnomAD exomes below 0.00001; ExAC 0.00001; gnomAD 0.00001; TOPMed 0.00003; ESP Exome Variant Server 0.00008.
gnomAD v4.1: 3 of 1,613,996 alleles (0.00019%); highest among the groups gnomAD compares: African/African-American, 0.0027%; no homozygotes.

Submissions (2):

Labcorp Genetics (formerly Invitae), Labcorp
Classification: Uncertain significance for Familial cancer of breast. Last evaluated: 2025-11-09. Review status: criteria provided, single submitter. Criteria: Invitae Variant Classification Sherloc (09022015). Collection method: clinical testing. Allele origin: germline.
Comment: This sequence change replaces lysine, which is basic and polar, with arginine, which is basic and polar, at codon 119 of the CHEK2 protein (p.Lys119Arg). This variant is present in population databases (rs373648967, gnomAD 0.008%). This variant has not been reported in the literature in individuals affected with CHEK2-related conditions. ClinVar contains an entry for this variant (Variation ID: 232578). An algorithm developed to predict the effect of missense changes on protein structure and function outputs the following: PolyPhen-2: "Benign". The arginine amino acid residue is found in multiple mammalian species, which suggests that this missense change does not adversely affect protein function. In summary, the available evidence is currently insufficient to determine the role of this variant in disease. Therefore, it has been classified as a Variant of Uncertain Significance.

Ambry Genetics
Classification: Likely benign for Hereditary cancer-predisposing syndrome. Last evaluated: 2019-03-05. Review status: criteria provided, single submitter. Criteria: Ambry Variant Classification Scheme 2023. Collection method: clinical testing. Allele origin: germline.

NM_007194.4(CHEK2):c.356A>G (p.Lys119Arg)

Gene: CHEK2 (checkpoint kinase 2; minus strand). Cytogenetic location: 22q12.1.
Variant type: single nucleotide variant.
Coding change: c.356A>G on transcript NM_007194.4 (MANE Select); coding-DNA position 356, A replaced by G.
Protein change: p.Lys119Arg; replaces lysine 119 with arginine.
Molecular consequence: missense variant.
Genome position (GRCh38, 1-based): chr22:28,725,331, T>C on the plus strand (A>G on the coding strand, the complement: CHEK2 is on the minus strand). VCF-style: chr22-28725331-T-C. GRCh37 (hg19) VCF-style: chr22-29121319-T-C.
Other names: c.485A>G, p.Lys162Arg (NM_001005735.3); c.-422A>G (NM_001257387.3); c.356A>G, p.Lys119Arg (NM_001349956.3, NM_145862.3); short protein forms K119R, K162R.
Identifiers: ClinVar variation 232578 (VCV000232578.15), dbSNP rs373648967, ClinGen allele CA10168014.
Genomic context (GRCh38, chr22:28,725,331, plus strand): 5'-TATGTTCGGTATTTATCTGTTCTTTTCAGCAGTGGTTCATCAAAGCAATATTCACAGCTT[T>C]TGTCCCTCCCAAACCAGTAGTTGTCATTCACACATTCTGTAATATAAAAGCATGCATCAG-3'
Protein context (NP_009125.1, residues 109-129): VNDNYWFGRD[Lys119Arg]SCEYCFDEPL